The following is an entry in ClinVar:

ClinVar aggregate classification (germline): Conflicting classifications of pathogenicity. Review status: criteria provided, conflicting classifications (1 of 4 stars). 2 submissions from 2 submitters: Uncertain significance (1); Likely benign (1). Last evaluated 2024-05-17.

Conditions:
Hereditary cancer-predisposing syndrome. Also called: Hereditary Cancer Syndrome; Tumor predisposition; Neoplastic Syndromes, Hereditary; Hereditary neoplastic syndrome. Identifiers: Orphanet 140162, MedGen C0027672, MeSH D009386, MONDO:0015356.
Familial cancer of breast. Also called: Hereditary breast cancer; BREAST CANCER, FAMILIAL; hereditary breast carcinoma. Identifiers: Orphanet 227535, MedGen C0346153, MONDO:0016419, OMIM 114480. Disease mechanism: loss of function.

Submissions (2):

Ambry Genetics
Classification: Likely benign for Hereditary cancer-predisposing syndrome. Last evaluated: 2024-05-17. Review status: criteria provided, single submitter. Criteria: Ambry Variant Classification Scheme 2023. Collection method: clinical testing. Allele origin: germline.

Labcorp Genetics (formerly Invitae), Labcorp
Classification: Uncertain significance for Familial cancer of breast. Last evaluated: 2019-05-14. Review status: criteria provided, single submitter. Criteria: Invitae Variant Classification Sherloc (09022015). Collection method: clinical testing. Allele origin: germline.
Comment: This variant has not been reported in the literature in individuals with BARD1-related conditions. Algorithms developed to predict the effect of missense changes on protein structure and function (SIFT, PolyPhen-2, Align-GVGD) all suggest that this variant is likely to be tolerated, but these predictions have not been confirmed by published functional studies and their clinical significance is uncertain. In summary, the available evidence is currently insufficient to determine the role of this variant in disease. Therefore, it has been classified as a Variant of Uncertain Significance. This sequence change replaces lysine with asparagine at codon 292 of the BARD1 protein (p.Lys292Asn). The lysine residue is weakly conserved and there is a moderate physicochemical difference between lysine and asparagine. This variant is not present in population databases (ExAC no frequency).

NM_000465.4(BARD1):c.876G>C (p.Lys292Asn)

Gene: BARD1 (BRCA1 associated RING domain 1; minus strand). Cytogenetic location: 2q35.
Variant type: single nucleotide variant.
Coding change: c.876G>C on transcript NM_000465.4 (MANE Select); coding-DNA position 876, G replaced by C.
Protein change: p.Lys292Asn; replaces lysine 292 with asparagine.
Molecular consequence: missense variant. On other transcripts: non-coding transcript variant (2), intron variant (3).
Genome position (GRCh38, 1-based): chr2:214,780,998, C>G on the plus strand (G>C on the coding strand, the complement: BARD1 is on the minus strand). VCF-style: chr2-214780998-C-G. GRCh37 (hg19) VCF-style: chr2-215645722-C-G.
Other names: c.819G>C, p.Lys273Asn (NM_001282543.2); c.158+28414G>C (NM_001282548.2); c.215+16063G>C (NM_001282545.2); c.364+11299G>C (NM_001282549.2); c.876G>C (NM_000465.2); short protein forms K292N, K273N.
Identifiers: ClinVar variation 863046 (VCV000863046.11), dbSNP rs1449269582, ClinGen allele CA350455173.
Genomic context (GRCh38, chr2:214,780,998, plus strand): 5'-TTTCTTAGATGTAAGATAATTTTTGCAGACCTTCTCAGGAGTCACTACTTCATTCCTGCT[C>G]TTAGTGTCTGGAGACTCTATTTGCTCAGCCAATGGTAAAGAGACTTCAGTTAAACTTCCA-3'
Protein context (NP_000456.2, residues 282-302): LAEQIESPDT[Lys292Asn]SRNEVVTPEK